The following is an entry in ClinVar:

NM_001040142.2(SCN2A):c.2130T>G (p.Ile710Met)

Gene: SCN2A (sodium voltage-gated channel alpha subunit 2; plus strand). Cytogenetic location: 2q24.3.
Variant type: single nucleotide variant.
Coding change: c.2130T>G on transcript NM_001040142.2 (MANE Select); coding-DNA position 2130, T replaced by G.
Protein change: p.Ile710Met; replaces isoleucine 710 with methionine.
Molecular consequence: missense variant.
Genome position (GRCh38, 1-based): chr2:165,326,965, T>G. VCF-style: chr2-165326965-T-G. GRCh37 (hg19) VCF-style: chr2-166183475-T-G.
Other names: c.2130T>G, p.Ile710Met (NM_001040143.2, NM_001371246.1, NM_001371247.1 and 1 more transcripts); short protein forms I710M.
Identifiers: ClinVar variation 1500285 (VCV001500285.8), dbSNP rs2105284581, ClinGen allele CA349029634.

ClinVar aggregate classification (germline): Uncertain significance (1 of 4 stars; one submission).

Conditions:
Developmental and epileptic encephalopathy, 11 (DEE11). Also called: Early infantile epileptic encephalopathy 11. Identifiers: Orphanet 1934, MedGen C3150987, MONDO:0013388, OMIM 613721.
Seizures, benign familial infantile, 3 (BFIS3). Also called: Familial neonatal seizures; CONVULSIONS, BENIGN FAMILIAL INFANTILE, 3. Identifiers: Orphanet 140927, Orphanet 306, MedGen C1843140, MONDO:0011904, OMIM 607745.

Submission:

Labcorp Genetics (formerly Invitae), Labcorp
Classification: Uncertain significance for Seizures, benign familial infantile, 3; Developmental and epileptic encephalopathy, 11. Last evaluated: 2023-08-17. Review status: criteria provided, single submitter. Criteria: Invitae Variant Classification Sherloc (09022015). Collection method: clinical testing. Allele origin: germline.
Comment: In summary, the available evidence is currently insufficient to determine the role of this variant in disease. Therefore, it has been classified as a Variant of Uncertain Significance. Advanced modeling of protein sequence and biophysical properties (such as structural, functional, and spatial information, amino acid conservation, physicochemical variation, residue mobility, and thermodynamic stability) has been performed at Invitae for this missense variant, however the output from this modeling did not meet the statistical confidence thresholds required to predict the impact of this variant on SCN2A protein function. ClinVar contains an entry for this variant (Variation ID: 1500285). This variant has not been reported in the literature in individuals affected with SCN2A-related conditions. This variant is not present in population databases (gnomAD no frequency). This sequence change replaces isoleucine, which is neutral and non-polar, with methionine, which is neutral and non-polar, at codon 710 of the SCN2A protein (p.Ile710Met).